The following is an entry in ClinVar:

ClinVar aggregate classification (germline): Uncertain significance (1 of 4 stars; one submission).

Submission:

GeneDx
Classification: Uncertain significance. Last evaluated: 2026-03-10. Review status: criteria provided, single submitter. Criteria: GeneDx Variant Classification Process June 2021. Collection method: clinical testing. Allele origin: germline.
Comment: Not observed at significant frequency in large population cohorts (gnomAD); In silico analysis suggests that this missense variant does not alter protein structure/function; Has not been previously published as pathogenic or benign to our knowledge

NM_015047.3(EMC1):c.1976T>C (p.Leu659Ser)

Genes: EMC1 (ER membrane protein complex subunit 1; minus strand), EMC1-AS1 (EMC1 antisense RNA 1; plus strand). Cytogenetic location: 1p36.13.
Variant type: single nucleotide variant.
Coding change: c.1976T>C on transcript NM_015047.3 (MANE Select); coding-DNA position 1976, T replaced by C.
Protein change: p.Leu659Ser; replaces leucine 659 with serine.
Molecular consequence: missense variant.
Genome position (GRCh38, 1-based): chr1:19,230,932, A>G on the plus strand (T>C on the coding strand, the complement: EMC1 is on the minus strand). VCF-style: chr1-19230932-A-G. GRCh37 (hg19) VCF-style: chr1-19557426-A-G.
Other names: c.1973T>C, p.Leu658Ser (NM_001271427.2, NM_001271428.2); c.1910T>C, p.Leu637Ser (NM_001271429.2); c.1985T>C, p.Leu662Ser (NM_001375820.1); c.1982T>C, p.Leu661Ser (NM_001375821.1); short protein forms L637S, L658S, L659S, L661S, L662S.
Identifiers: ClinVar variation 4891436 (VCV004891436.1).